The following is an entry in ClinVar:

NM_016247.4(IMPG2):c.2820G>C (p.Gln940His)

Gene: IMPG2 (interphotoreceptor matrix proteoglycan 2; minus strand). Cytogenetic location: 3q12.3.
Variant type: single nucleotide variant.
Coding change: c.2820G>C on transcript NM_016247.4 (MANE Select); coding-DNA position 2820, G replaced by C.
Protein change: p.Gln940His; replaces glutamine 940 with histidine.
Molecular consequence: missense variant.
Genome position (GRCh38, 1-based): chr3:101,242,890, C>G on the plus strand (G>C on the coding strand, the complement: IMPG2 is on the minus strand). VCF-style: chr3-101242890-C-G. GRCh37 (hg19) VCF-style: chr3-100961734-C-G.
Other names: short protein forms Q940H.
Identifiers: ClinVar variation 1492123 (VCV001492123.6), dbSNP rs1254425071, ClinGen allele CA353854177.

ClinVar aggregate classification (germline): Uncertain significance (1 of 4 stars; one submission).

Allele frequency attached by ClinVar (database versions not stated): TOPMed below 0.00001.

Submission:

Labcorp Genetics (formerly Invitae), Labcorp
Classification: Uncertain significance. Last evaluated: 2021-09-21. Review status: criteria provided, single submitter. Criteria: Invitae Variant Classification Sherloc (09022015). Collection method: clinical testing. Allele origin: germline.
Comment: In summary, the available evidence is currently insufficient to determine the role of this variant in disease. Therefore, it has been classified as a Variant of Uncertain Significance. Algorithms developed to predict the effect of missense changes on protein structure and function are either unavailable or do not agree on the potential impact of this missense change (SIFT: "Deleterious"; PolyPhen-2: "Probably Damaging"; Align-GVGD: "Class C15"). This variant has not been reported in the literature in individuals affected with IMPG2-related conditions. This variant is not present in population databases (ExAC no frequency). This sequence change replaces glutamine with histidine at codon 940 of the IMPG2 protein (p.Gln940His). The glutamine residue is highly conserved and there is a small physicochemical difference between glutamine and histidine.